The following is an entry in ClinVar:

NM_005762.3(TRIM28):c.1682C>T (p.Ala561Val)

Gene: TRIM28 (tripartite motif containing 28; plus strand). Cytogenetic location: 19q13.43.
Variant type: single nucleotide variant.
Coding change: c.1682C>T on transcript NM_005762.3 (MANE Select); coding-DNA position 1682, C replaced by T.
Protein change: p.Ala561Val; replaces alanine 561 with valine.
Molecular consequence: missense variant.
Genome position (GRCh38, 1-based): chr19:58,549,350, C>T. VCF-style: chr19-58549350-C-T. GRCh37 (hg19) VCF-style: chr19-59060717-C-T.
Other names: short protein forms A561V.
Identifiers: ClinVar variation 3632052 (VCV003632052.2).

ClinVar aggregate classification (germline): Uncertain significance (1 of 4 stars; one submission).

Submission:

Labcorp Genetics (formerly Invitae), Labcorp
Classification: Uncertain significance. Last evaluated: 2024-02-27. Review status: criteria provided, single submitter. Criteria: Invitae Variant Classification Sherloc (09022015). Collection method: clinical testing. Allele origin: germline.
Comment: This sequence change replaces alanine, which is neutral and non-polar, with valine, which is neutral and non-polar, at codon 561 of the TRIM28 protein (p.Ala561Val). This variant is present in population databases (rs781585365, gnomAD 0.005%). This variant has not been reported in the literature in individuals affected with TRIM28-related conditions. Experimental studies and prediction algorithms are not available or were not evaluated, and the functional significance of this variant is currently unknown. In summary, the available evidence is currently insufficient to determine the role of this variant in disease. Therefore, it has been classified as a Variant of Uncertain Significance.